The following is an entry in ClinVar:

ClinVar aggregate classification (germline): Uncertain significance (1 of 4 stars; one submission).

Allele frequency attached by ClinVar (database versions not stated): ExAC 0.00001.

Submission:

GeneDx
Classification: Uncertain significance. Last evaluated: 2022-07-01. Review status: criteria provided, single submitter. Criteria: GeneDx Variant Classification Process June 2021. Collection method: clinical testing. Allele origin: germline. Affected: yes.
Comment: Not observed at significant frequency in large population cohorts (gnomAD); In silico analysis supports that this missense variant has a deleterious effect on protein structure/function; Has not been previously published as pathogenic or benign to our knowledge

NM_020937.4(FANCM):c.455A>C (p.Glu152Ala)

Gene: FANCM (FA complementation group M; plus strand). Cytogenetic location: 14q21.2.
Variant type: single nucleotide variant.
Coding change: c.455A>C on transcript NM_020937.4 (MANE Select); coding-DNA position 455, A replaced by C.
Protein change: p.Glu152Ala; replaces glutamic acid 152 with alanine.
Molecular consequence: missense variant.
Genome position (GRCh38, 1-based): chr14:45,136,486, A>C. VCF-style: chr14-45136486-A-C. GRCh37 (hg19) VCF-style: chr14-45605689-A-C.
Other names: c.455A>C, p.Glu152Ala (NM_001308133.2, NM_001308134.2); short protein forms E152A.
Identifiers: ClinVar variation 1810052 (VCV001810052.1), dbSNP rs763024816, ClinGen allele CA7168765.